The following is an entry in ClinVar:

NM_005422.4(TECTA):c.328G>A (p.Glu110Lys)

Genes: TBCEL-TECTA (TBCEL-TECTA readthrough; plus strand), TECTA (tectorin alpha; plus strand). Cytogenetic location: 11q23.3.
Variant type: single nucleotide variant.
Coding change: c.328G>A on transcript NM_005422.4 (MANE Select); coding-DNA position 328, G replaced by A.
Protein change: p.Glu110Lys; replaces glutamic acid 110 with lysine.
Molecular consequence: missense variant.
Genome position (GRCh38, 1-based): chr11:121,109,340, G>A. VCF-style: chr11-121109340-G-A. GRCh37 (hg19) VCF-style: chr11-120980049-G-A.
Other names: c.1285G>A, p.Glu429Lys (NM_001378761.1); short protein forms E429K, E110K.
Identifiers: ClinVar variation 3679222 (VCV003679222.2).

ClinVar aggregate classification (germline): Uncertain significance (1 of 4 stars; one submission).

gnomAD v4.1: 13 of 1,614,118 alleles (0.00081%); highest among the groups gnomAD compares: African/African-American, 0.0027%; no homozygotes.

Submission:

Labcorp Genetics (formerly Invitae), Labcorp
Classification: Uncertain significance. Last evaluated: 2024-10-30. Review status: criteria provided, single submitter. Criteria: Invitae Variant Classification Sherloc (09022015). Collection method: clinical testing. Allele origin: germline.
Comment: This sequence change replaces glutamic acid, which is acidic and polar, with lysine, which is basic and polar, at codon 110 of the TECTA protein (p.Glu110Lys). This variant is present in population databases (rs755609982, gnomAD 0.005%). This variant has not been reported in the literature in individuals affected with TECTA-related conditions. Invitae Evidence Modeling of protein sequence and biophysical properties (such as structural, functional, and spatial information, amino acid conservation, physicochemical variation, residue mobility, and thermodynamic stability) indicates that this missense variant is not expected to disrupt TECTA protein function with a negative predictive value of 95%. In summary, the available evidence is currently insufficient to determine the role of this variant in disease. Therefore, it has been classified as a Variant of Uncertain Significance.